The following is an entry in ClinVar:

ClinVar aggregate classification (germline): Uncertain significance (1 of 4 stars; one submission).

gnomAD v4.1: 17 of 1,605,402 alleles (0.0011%); highest among the groups gnomAD compares: Admixed American, 0.0017%; no homozygotes.

Submission:

GeneDx
Classification: Uncertain significance. Last evaluated: 2023-05-19. Review status: criteria provided, single submitter. Criteria: GeneDx Variant Classification Process June 2021. Collection method: clinical testing. Allele origin: germline. Affected: yes.
Comment: Not observed at significant frequency in large population cohorts (gnomAD); In silico analysis supports that this missense variant does not alter protein structure/function; Has not been previously published as pathogenic or benign to our knowledge

NM_018451.5(CPAP):c.3230G>A (p.Arg1077Gln)

Gene: CPAP (centrosome assembly and centriole elongation protein; minus strand). Cytogenetic location: 13q12.12.
Variant type: single nucleotide variant.
Coding change: c.3230G>A on transcript NM_018451.5 (MANE Select); coding-DNA position 3230, G replaced by A.
Protein change: p.Arg1077Gln; replaces arginine 1077 with glutamine.
Molecular consequence: missense variant. On other transcripts: non-coding transcript variant (1).
Genome position (GRCh38, 1-based): chr13:24,889,387, C>T on the plus strand (G>A on the coding strand, the complement: CPAP is on the minus strand). VCF-style: chr13-24889387-C-T. GRCh37 (hg19) VCF-style: chr13-25463525-C-T.
Other names: short protein forms R1077Q.
Identifiers: ClinVar variation 3343471 (VCV003343471.1).